The following is an entry in ClinVar:

ClinVar aggregate classification (germline): Uncertain significance (1 of 4 stars; one submission).

Allele frequency attached by ClinVar (database versions not stated): gnomAD exomes below 0.00001.
gnomAD v4.1: 3 of 1,614,060 alleles (0.00019%); highest among the groups gnomAD compares: African/African-American, 0.0027%; no homozygotes.

Submission:

Labcorp Genetics (formerly Invitae), Labcorp
Classification: Uncertain significance. Last evaluated: 2023-07-21. Review status: criteria provided, single submitter. Criteria: Invitae Variant Classification Sherloc (09022015). Collection method: clinical testing. Allele origin: germline.
Comment: Variants that disrupt the consensus splice site are a relatively common cause of aberrant splicing (PMID: 17576681, 9536098). Algorithms developed to predict the effect of sequence changes on RNA splicing suggest that this variant is not likely to affect RNA splicing. This variant has not been reported in the literature in individuals affected with COL11A2-related conditions. This variant is not present in population databases (gnomAD no frequency). This sequence change falls in intron 34 of the COL11A2 gene. It does not directly change the encoded amino acid sequence of the COL11A2 protein. It affects a nucleotide within the consensus splice site. In summary, the available evidence is currently insufficient to determine the role of this variant in disease. Therefore, it has been classified as a Variant of Uncertain Significance.

Literature cited by the submitters: PubMed 17576681; PubMed 9536098.

NM_080680.3(COL11A2):c.2583+3G>A

Gene: COL11A2 (collagen type XI alpha 2 chain; minus strand). Cytogenetic location: 6p21.32.
Variant type: single nucleotide variant.
Coding change: c.2583+3G>A on transcript NM_080680.3 (MANE Select); 3 bases into the intron after coding-DNA position 2583, G replaced by A.
Molecular consequence: intron variant.
Genome position (GRCh38, 1-based): chr6:33,173,870, C>T on the plus strand (G>A on the coding strand, the complement: COL11A2 is on the minus strand). VCF-style: chr6-33173870-C-T. GRCh37 (hg19) VCF-style: chr6-33141647-C-T.
Other names: c.1557+3G>A (NM_001424111.1, NM_001424110.1); c.2262+3G>A (NM_080679.3); c.2325+3G>A (NM_080681.3); c.2403+3G>A (NM_001424108.1); c.1737+3G>A (NM_001424109.1); c.537+3G>A (NM_001424112.1).
Identifiers: ClinVar variation 2837568 (VCV002837568.3), dbSNP rs938393753, ClinGen allele CA137068680.
Genomic context (GRCh38, chr6:33,173,870, plus strand): 5'-TGTTGAGGGAGAGCTGGGGCTGAGTGGGCAGGGGGCAGTTGGAGCCTTGTAGAGACCATT[C>T]ACCTTAGCTCCAGACTTCCCAGTGGCACCTCGGGGTCCCCGCTGACCCCGTGGACCCTAC-3'